The following is an entry in ClinVar:

ClinVar aggregate classification (germline): Pathogenic (1 of 4 stars; one submission).

Conditions:
Nemaline myopathy 2 (NEM2). Also called: Nemaline myopathy 2, autosomal recessive. Identifiers: MedGen C1850569, MONDO:0009725, OMIM 256030.

Submission:

Labcorp Genetics (formerly Invitae), Labcorp
Classification: Pathogenic for Nemaline myopathy 2. Last evaluated: 2022-06-10. Review status: criteria provided, single submitter. Criteria: Invitae Variant Classification Sherloc (09022015). Collection method: clinical testing. Allele origin: germline.
Comment: For these reasons, this variant has been classified as Pathogenic. This variant has not been reported in the literature in individuals affected with NEB-related conditions. This variant is not present in population databases (gnomAD no frequency). This sequence change creates a premature translational stop signal (p.Lys7427Argfs*21) in the NEB gene. It is expected to result in an absent or disrupted protein product. Loss-of-function variants in NEB are known to be pathogenic (PMID: 25205138).

Literature cited by the submitters: PubMed 25205138.

NM_001164508.2(NEB):c.22175del (p.Lys7392fs)

Genes: RIF1 (replication timing regulatory factor 1; plus strand), NEB (nebulin; minus strand). Cytogenetic location: 2q23.3.
Variant type: Deletion.
Coding change: c.22175del on transcript NM_001164508.2 (MANE Select); coding-DNA position 22175, one base deleted (A; older notation c.22175delA).
Protein change: p.Lys7392fs; shifts the reading frame from lysine 7392.
Molecular consequence: frameshift variant.
Genome position (GRCh38, 1-based): chr2:151,525,260, T deleted on the plus strand (A on the coding strand, the reverse complement: NEB is on the minus strand); the first of 5 consecutive T bases (chr2:151,525,260-151,525,264); deleting any one gives the same sequence. VCF-style (leftmost placement, unchanged base first): chr2-151525259-CT-C. GRCh37 (hg19) VCF-style: chr2-152381773-CT-C.
Other names: c.22175del, p.Lys7392fs (NM_001164507.2); c.22280del, p.Lys7427fs (NM_001271208.2); c.17072del, p.Lys5691fs (NM_004543.5); short protein forms K5691fs, K7427fs, K7392fs.
Identifiers: ClinVar variation 1453846 (VCV001453846.6), dbSNP rs2153447885, ClinGen allele CA2573133343.